The following is an entry in ClinVar:

NM_001458.5(FLNC):c.5977C>A (p.Leu1993Met)

Genes: FLNC (filamin C; plus strand), FLNC-AS1 (FLNC antisense RNA 1; minus strand). Cytogenetic location: 7q32.1.
Variant type: single nucleotide variant.
Coding change: c.5977C>A on transcript NM_001458.5 (MANE Select); coding-DNA position 5977, C replaced by A.
Protein change: p.Leu1993Met; replaces leucine 1993 with methionine.
Molecular consequence: missense variant.
Genome position (GRCh38, 1-based): chr7:128,852,725, C>A. VCF-style: chr7-128852725-C-A. GRCh37 (hg19) VCF-style: chr7-128492779-C-A.
Other names: c.5878C>A, p.Leu1960Met (NM_001127487.2); short protein forms L1960M, L1993M.
Identifiers: ClinVar variation 4083184 (VCV004083184.1).

ClinVar aggregate classification (germline): Uncertain significance (1 of 4 stars; one submission).

Submission:

GeneDx
Classification: Uncertain significance. Last evaluated: 2025-03-09. Review status: criteria provided, single submitter. Criteria: GeneDx Variant Classification Process June 2021. Collection method: clinical testing. Allele origin: germline. Affected: yes.
Comment: Not observed at significant frequency in large population cohorts (gnomAD); In silico analysis indicates that this missense variant does not alter protein structure/function; Has not been previously published as pathogenic or benign to our knowledge